The following is an entry in ClinVar:

ClinVar aggregate classification (germline): Uncertain significance (1 of 4 stars; one submission).

gnomAD v4.1: 3 of 1,613,644 alleles (0.00019%); highest among the groups gnomAD compares: Admixed American, 0.0017%; no homozygotes.

Submission:

Labcorp Genetics (formerly Invitae), Labcorp
Classification: Uncertain significance. Last evaluated: 2024-12-10. Review status: criteria provided, single submitter. Criteria: Invitae Variant Classification Sherloc (09022015). Collection method: clinical testing. Allele origin: germline.
Comment: This sequence change falls in intron 30 of the A2ML1 gene. It does not directly change the encoded amino acid sequence of the A2ML1 protein. This variant is present in population databases (no rsID available, gnomAD 0.0009%). This variant has not been reported in the literature in individuals affected with A2ML1-related conditions. Algorithms developed to predict the effect of sequence changes on RNA splicing suggest that this variant may disrupt the consensus splice site. In summary, the available evidence is currently insufficient to determine the role of this variant in disease. Therefore, it has been classified as a Variant of Uncertain Significance.

NM_144670.6(A2ML1):c.3934-11C>A

Gene: A2ML1 (alpha-2-macroglobulin like 1; plus strand). Cytogenetic location: 12p13.31.
Variant type: single nucleotide variant.
Coding change: c.3934-11C>A on transcript NM_144670.6 (MANE Select); 11 bases into the intron before coding-DNA position 3934, C replaced by A.
Molecular consequence: intron variant.
Genome position (GRCh38, 1-based): chr12:8,868,219, C>A. VCF-style: chr12-8868219-C-A. GRCh37 (hg19) VCF-style: chr12-9020815-C-A.
Other names: c.2461-11C>A (NM_001282424.3).
Identifiers: ClinVar variation 3635751 (VCV003635751.2).